The following is an entry in ClinVar:

ClinVar aggregate classification (germline): Uncertain significance. Review status: criteria provided, single submitter (1 of 4 stars). 2 submissions from 2 submitters: Uncertain significance (1). 1 of the submissions does not count toward it. Last evaluated 2025-08-30.

Conditions:
SEMA3D-related disorder. Also called: SEMA3D-related condition.

gnomAD v4.1: 19 of 1,612,328 alleles (0.0012%); highest among the groups gnomAD compares: African/African-American, 0.025%; no homozygotes.

Submissions (2):

Ambry Genetics
Classification: Uncertain significance. Last evaluated: 2025-08-30. Review status: criteria provided, single submitter. Criteria: Ambry Variant Classification Scheme 2023. Collection method: clinical testing. Allele origin: germline.

PreventionGenetics, part of Exact Sciences
Classification: Uncertain significance for SEMA3D-related condition. Last evaluated: 2024-01-10. Review status: no assertion criteria provided. Collection method: clinical testing. Allele origin: germline. Not counted in ClinVar's aggregate classification.
Comment: The SEMA3D c.1300G>C variant is predicted to result in the amino acid substitution p.Val434Leu. To our knowledge, this variant has not been reported in the literature. This variant is reported in 0.024% of alleles in individuals of African descent in gnomAD. At this time, the clinical significance of this variant is uncertain due to the absence of conclusive functional and genetic evidence.

NM_001384900.1(SEMA3D):c.1300G>C (p.Val434Leu)

Gene: SEMA3D (semaphorin 3D; minus strand). Cytogenetic location: 7q21.11.
Variant type: single nucleotide variant.
Coding change: c.1300G>C on transcript NM_001384900.1 (MANE Select); coding-DNA position 1300, G replaced by C.
Protein change: p.Val434Leu; replaces valine 434 with leucine.
Molecular consequence: missense variant.
Genome position (GRCh38, 1-based): chr7:85,022,505, C>G on the plus strand (G>C on the coding strand, the complement: SEMA3D is on the minus strand). VCF-style: chr7-85022505-C-G. GRCh37 (hg19) VCF-style: chr7-84651821-C-G.
Other names: c.1300G>C, p.Val434Leu (NM_001384902.1, NM_001384903.1, NM_152754.3 and 1 more transcripts); short protein forms V434L.
Identifiers: ClinVar variation 3352276 (VCV003352276.2).